The following is an entry in ClinVar:

ClinVar aggregate classification (germline): Uncertain significance. Review status: criteria provided, multiple submitters, no conflicts (2 of 4 stars). 4 submissions from 4 submitters: Uncertain significance (3). 1 of the submissions does not count toward it. Last evaluated 2025-10-26.

Conditions:
GNE myopathy (NM). Also called: IBM 2; Inclusion body myopathy autosomal recessive; Inclusion body myopathy quadriceps sparing; INCLUSION BODY MYOPATHY, HEREDITARY, AUTOSOMAL RECESSIVE; INCLUSION BODY MYOPATHY 2, AUTOSOMAL RECESSIVE; MYOPATHY, DISTAL, WITH OR WITHOUT RIMMED VACUOLES. Identifiers: Orphanet 602, MedGen C1853926, MONDO:0011603, OMIM 605820.
Sialuria. Also called: Sialic Acid Storage Disease; SIALURIA, FRENCH TYPE. Identifiers: Orphanet 3166, MedGen C0342853, MONDO:0010028, OMIM 269921.

Allele frequency attached by ClinVar (database versions not stated): gnomAD 0.00002; gnomAD exomes 0.00002; TOPMed 0.00002; ExAC 0.00003; ESP Exome Variant Server 0.00015.
gnomAD v4.1: 34 of 1,611,610 alleles (0.0021%); highest among the groups gnomAD compares: Non-Finnish European, 0.0027%; no homozygotes.

Submissions (4):

Labcorp Genetics (formerly Invitae), Labcorp
Classification: Uncertain significance for Sialuria; GNE myopathy. Last evaluated: 2025-10-26. Review status: criteria provided, single submitter. Criteria: Invitae Variant Classification Sherloc (09022015). Collection method: clinical testing. Allele origin: germline.
Comment: This sequence change replaces isoleucine, which is neutral and non-polar, with threonine, which is neutral and polar, at codon 572 of the GNE protein (p.Ile572Thr). This variant is present in population databases (rs369119154, gnomAD 0.006%). This variant has not been reported in the literature in individuals affected with GNE-related conditions. ClinVar contains an entry for this variant (Variation ID: 1064281). Invitae Evidence Modeling of protein sequence and biophysical properties (such as structural, functional, and spatial information, amino acid conservation, physicochemical variation, residue mobility, and thermodynamic stability) has been performed for this missense variant. However, the output from this modeling did not meet the statistical confidence thresholds required to predict the impact of this variant on GNE protein function. In summary, the available evidence is currently insufficient to determine the role of this variant in disease. Therefore, it has been classified as a Variant of Uncertain Significance.

Blueprint Genetics
Classification: Uncertain significance. Last evaluated: 2024-08-15. Review status: criteria provided, single submitter. Criteria: ACMG Guidelines, 2015. Collection method: clinical testing. Allele origin: germline.

Revvity Omics, Revvity
Classification: Uncertain significance. Last evaluated: 2023-09-07. Review status: criteria provided, single submitter. Criteria: ACMG Guidelines, 2015. Collection method: clinical testing. Allele origin: germline.

Natera, Inc.
Classification: Uncertain significance for Nonaka myopathy. Last evaluated: 2020-06-02. Review status: no assertion criteria provided. Collection method: clinical testing. Allele origin: germline. Not counted in ClinVar's aggregate classification.

NM_005476.7(GNE):c.1622T>C (p.Ile541Thr)

Gene: GNE (glucosamine (UDP-N-acetyl)-2-epimerase/N-acetylmannosamine kinase; minus strand). Cytogenetic location: 9p13.3.
Variant type: single nucleotide variant.
Coding change: c.1622T>C on transcript NM_005476.7 (MANE Select); coding-DNA position 1622, T replaced by C.
Protein change: p.Ile541Thr; replaces isoleucine 541 with threonine.
Molecular consequence: missense variant. On other transcripts: intron variant (1).
Genome position (GRCh38, 1-based): chr9:36,222,788, A>G on the plus strand (T>C on the coding strand, the complement: GNE is on the minus strand). VCF-style: chr9-36222788-A-G. GRCh37 (hg19) VCF-style: chr9-36222785-A-G.
Other names: c.1715T>C, p.Ile572Thr (NM_001128227.3); c.1292T>C, p.Ile431Thr (NM_001190384.3); c.1445T>C, p.Ile482Thr (NM_001190388.2, NM_001374798.1); c.1469T>C, p.Ile490Thr (NM_001374797.1); c.1411+585T>C (NM_001190383.3); c.1715T>C (NM_001128227.2); short protein forms I572T, I431T, I541T, I490T, I482T.
Identifiers: ClinVar variation 1064281 (VCV001064281.12), dbSNP rs369119154, ClinGen allele CA5056460.